The following is an entry in ClinVar:

NM_006892.4(DNMT3B):c.1796G>A (p.Gly599Glu)

Gene: DNMT3B (DNA methyltransferase 3 beta; plus strand). Cytogenetic location: 20q11.21.
Variant type: single nucleotide variant.
Coding change: c.1796G>A on transcript NM_006892.4 (MANE Select); coding-DNA position 1796, G replaced by A.
Protein change: p.Gly599Glu; replaces glycine 599 with glutamic acid.
Molecular consequence: missense variant.
Genome position (GRCh38, 1-based): chr20:32,800,189, G>A. VCF-style: chr20-32800189-G-A. GRCh37 (hg19) VCF-style: chr20-31387995-G-A.
Other names: c.1610G>A, p.Gly537Glu (NM_001207055.2); c.1508G>A, p.Gly503Glu (NM_001207056.2); c.1736G>A, p.Gly579Glu (NM_175848.2, NM_175849.2); c.1772G>A, p.Gly591Glu (NM_175850.3); short protein forms G503E, G537E, G579E, G591E, G599E.
Identifiers: ClinVar variation 1492689 (VCV001492689.6), dbSNP rs770730685, ClinGen allele CA9810715.
Genomic context (GRCh38, chr20:32,800,189, plus strand): 5'-TCTGTGTCTCTCTGGCCCCCACAGGCTACCTAGTCCTCAAAGAGTTGGGCATAAAGGTAG[G>A]AAAGTACGTCGCTTCTGAAGTGTGTGAGGAGTCCATTGCTGTTGGAACCGTGAAGCACGA-3'
Protein context (NP_008823.1, residues 589-609): LVLKELGIKV[Gly599Glu]KYVASEVCEE

ClinVar aggregate classification (germline): Uncertain significance (1 of 4 stars; one submission).

Conditions:
Centromeric instability of chromosomes 1,9 and 16 and immunodeficiency (ICF1). Also called: Immunodeficiency-centromeric instability-facial anomalies; IMMUNE DEFICIENCY, VARIABLE, WITH CENTROMERIC INSTABILITY OF CHROMOSOMES 1, 9, AND 16; IMMUNODEFICIENCY SYNDROME, VARIABLE; CENTROMERIC INSTABILITY, IMMUNODEFICIENCY SYNDROME. Identifiers: Orphanet 2268, MedGen C0398788, MONDO:0000133.

Allele frequency attached by ClinVar (database versions not stated): gnomAD exomes below 0.00001; TOPMed below 0.00001; ExAC 0.00001.
gnomAD v4.1: 1 of 1,614,252 alleles (0.000062%); highest among the groups gnomAD compares: Non-Finnish European, 0.000085%; no homozygotes.

Submission:

Labcorp Genetics (formerly Invitae), Labcorp
Classification: Uncertain significance for Centromeric instability of chromosomes 1,9 and 16 and immunodeficiency. Last evaluated: 2021-11-26. Review status: criteria provided, single submitter. Criteria: Invitae Variant Classification Sherloc (09022015). Collection method: clinical testing. Allele origin: germline.
Comment: This sequence change replaces glycine, which is neutral and non-polar, with glutamic acid, which is acidic and polar, at codon 599 of the DNMT3B protein (p.Gly599Glu). This variant is present in population databases (rs770730685, gnomAD 0.0009%). This variant has not been reported in the literature in individuals affected with DNMT3B-related conditions. Algorithms developed to predict the effect of missense changes on protein structure and function output the following: SIFT: "Tolerated"; PolyPhen-2: "Benign"; Align-GVGD: "Class C0". The glutamic acid amino acid residue is found in multiple mammalian species, which suggests that this missense change does not adversely affect protein function. In summary, the available evidence is currently insufficient to determine the role of this variant in disease. Therefore, it has been classified as a Variant of Uncertain Significance.